The following is an entry in ClinVar:

NM_001873.4(CPE):c.1366A>G (p.Lys456Glu)

Gene: CPE (carboxypeptidase E; plus strand). Cytogenetic location: 4q32.3.
Variant type: single nucleotide variant.
Coding change: c.1366A>G on transcript NM_001873.4 (MANE Select); coding-DNA position 1366, A replaced by G.
Protein change: p.Lys456Glu; replaces lysine 456 with glutamic acid.
Molecular consequence: missense variant.
Genome position (GRCh38, 1-based): chr4:165,497,545, A>G. VCF-style: chr4-165497545-A-G. GRCh37 (hg19) VCF-style: chr4-166418697-A-G.
Other names: short protein forms K456E.
Identifiers: ClinVar variation 3036949 (VCV003036949.3), dbSNP rs560038598, ClinGen allele CA3130437.
Genomic context (GRCh38, chr4:165,497,545, plus strand): 5'-TAATATGTTCTTGATTTTCTCTTTTAGGTTGATTTTGAACTGGAGTCATTTTCTGAAAGG[A>G]AAGAAGAGGAGAAGGAAGAATTGATGGAATGGTGGAAAATGATGTCAGAAACTTTAAATT-3'
Protein context (NP_001864.1, residues 446-466): DFELESFSER[Lys456Glu]EEEKEELMEW

ClinVar aggregate classification (germline): Likely benign. Review status: criteria provided, single submitter (1 of 4 stars). 2 submissions from 2 submitters: Likely benign (1). 1 of the submissions does not count toward it. Last evaluated 2024-05-22.

Conditions:
CPE-related disorder. Also called: CPE-related condition.

Allele frequency attached by ClinVar (database versions not stated): gnomAD exomes 0.00004; ExAC 0.00005; 1000 Genomes Project 30x 0.00047; 1000 Genomes Project 0.00060; TOPMed 0.00079; gnomAD 0.00097.
gnomAD v4.1: 207 of 1,578,648 alleles (0.013%); highest among the groups gnomAD compares: Admixed American, 0.38%; 3 homozygotes.

Submissions (2):

Blueprint Genetics
Classification: Likely benign. Last evaluated: 2024-05-22. Review status: criteria provided, single submitter. Criteria: ACMG Guidelines, 2015. Collection method: clinical testing. Allele origin: germline.

PreventionGenetics, part of Exact Sciences
Classification: Likely benign for CPE-related condition. Last evaluated: 2022-09-06. Review status: no assertion criteria provided. Collection method: clinical testing. Allele origin: germline. Not counted in ClinVar's aggregate classification.
Comment: This variant is classified as likely benign based on ACMG/AMP sequence variant interpretation guidelines (Richards et al. 2015 PMID: 25741868, with internal and published modifications).